The following is an entry in ClinVar:

NM_006206.6(PDGFRA):c.1689A>G (p.Glu563=)

Gene: PDGFRA (platelet derived growth factor receptor alpha; plus strand). Cytogenetic location: 4q12.
Variant type: single nucleotide variant.
Coding change: c.1689A>G on transcript NM_006206.6 (MANE Select); coding-DNA position 1689, A replaced by G.
Protein change: p.Glu563=; no amino-acid change (glutamic acid 563 retained).
Molecular consequence: synonymous variant.
Genome position (GRCh38, 1-based): chr4:54,274,876, A>G. VCF-style: chr4-54274876-A-G. GRCh37 (hg19) VCF-style: chr4-55141043-A-G.
Other names: c.1689A>G, p.Glu563= (NM_001347827.2, NM_001347829.2); c.1764A>G, p.Glu588= (NM_001347828.2); c.1728A>G, p.Glu576= (NM_001347830.2).
Identifiers: ClinVar variation 4875819 (VCV004875819.1).

ClinVar aggregate classification (germline): Benign (1 of 4 stars; one submission).

Conditions:
Polyps, multiple and recurrent inflammatory fibroid, gastrointestinal. Identifiers: MedGen C5193005, MONDO:0008285, OMIM 175510.

gnomAD v4.1: 1 of 1,614,112 alleles (0.000062%); highest among the groups gnomAD compares: South Asian, 0.0011%; no homozygotes.

Submission:

Myriad Genetics, Inc.
Classification: Benign for Polyps, multiple and recurrent inflammatory fibroid, gastrointestinal. Last evaluated: 2026-06-17. Review status: criteria provided, single submitter. Criteria: Myriad Autosomal Dominant, Autosomal Recessive and X-Linked Classification Criteria (2023). Collection method: clinical testing. Allele origin: unknown.
Comment: This variant is considered benign. This variant is a silent/synonymous amino acid change and it is not expected to impact splicing.